The following is an entry in ClinVar:

ClinVar aggregate classification (germline): Uncertain significance. Review status: criteria provided, multiple submitters, no conflicts (2 of 4 stars). 2 submissions from 2 submitters: Uncertain significance (2). Last evaluated 2021-08-05.

Conditions:
Hereditary cancer-predisposing syndrome. Also called: Hereditary neoplastic syndrome; Neoplastic Syndromes, Hereditary; Tumor predisposition; Hereditary Cancer Syndrome. Identifiers: Orphanet 140162, MedGen C0027672, MeSH D009386, MONDO:0015356.
Familial cancer of breast. Also called: hereditary breast carcinoma; BREAST CANCER, FAMILIAL; Hereditary breast cancer. Identifiers: Orphanet 227535, MedGen C0346153, MONDO:0016419, OMIM 114480. Disease mechanism: loss of function.
Fanconi anemia complementation group J. Also called: BRIP1-Related Fanconi Anemia. Identifiers: Orphanet 84, MedGen C1836860, MONDO:0012187, OMIM 609054.

Submissions (2):

Ambry Genetics
Classification: Uncertain significance for Hereditary cancer-predisposing syndrome. Last evaluated: 2021-08-05. Review status: criteria provided, single submitter. Criteria: Ambry Variant Classification Scheme 2023. Collection method: clinical testing. Allele origin: germline.
Comment: The p.L438P variant (also known as c.1313T>C), located in coding exon 8 of the BRIP1 gene, results from a T to C substitution at nucleotide position 1313. The leucine at codon 438 is replaced by proline, an amino acid with similar properties. This amino acid position is conserved. In addition, this alteration is predicted to be deleterious by in silico analysis. Since supporting evidence is limited at this time, the clinical significance of this alteration remains unclear.

Labcorp Genetics (formerly Invitae), Labcorp
Classification: Uncertain significance for Familial cancer of breast; Fanconi anemia complementation group J. Last evaluated: 2021-07-08. Review status: criteria provided, single submitter. Criteria: Invitae Variant Classification Sherloc (09022015). Collection method: clinical testing. Allele origin: germline.
Comment: This sequence change replaces leucine with proline at codon 438 of the BRIP1 protein (p.Leu438Pro). The leucine residue is highly conserved and there is a moderate physicochemical difference between leucine and proline. This variant is not present in population databases (ExAC no frequency). This variant has not been reported in the literature in individuals with BRIP1-related conditions. Algorithms developed to predict the effect of missense changes on protein structure and function (SIFT, PolyPhen-2, Align-GVGD) all suggest that this variant is likely to be disruptive, but these predictions have not been confirmed by published functional studies and their clinical significance is uncertain. In summary, the available evidence is currently insufficient to determine the role of this variant in disease. Therefore, it has been classified as a Variant of Uncertain Significance.

NM_032043.3(BRIP1):c.1313T>C (p.Leu438Pro)

Gene: BRIP1 (BRCA1 interacting DNA helicase 1; minus strand). Cytogenetic location: 17q23.2.
Variant type: single nucleotide variant.
Coding change: c.1313T>C on transcript NM_032043.3 (MANE Select); coding-DNA position 1313, T replaced by C.
Protein change: p.Leu438Pro; replaces leucine 438 with proline.
Molecular consequence: missense variant.
Genome position (GRCh38, 1-based): chr17:61,799,127, A>G on the plus strand (T>C on the coding strand, the complement: BRIP1 is on the minus strand). VCF-style: chr17-61799127-A-G. GRCh37 (hg19) VCF-style: chr17-59876488-A-G.
Other names: short protein forms L438P.
Identifiers: ClinVar variation 1002052 (VCV001002052.12), dbSNP rs1555607056, ClinGen allele CA400483423.